The following is an entry in ClinVar:

ClinVar aggregate classification (germline): Uncertain significance (1 of 4 stars; one submission).

Conditions:
Hereditary cancer-predisposing syndrome. Also called: Hereditary Cancer Syndrome; Neoplastic Syndromes, Hereditary; Hereditary neoplastic syndrome; Tumor predisposition. Identifiers: Orphanet 140162, MedGen C0027672, MeSH D009386, MONDO:0015356.

Submission:

Ambry Genetics
Classification: Uncertain significance for Hereditary cancer-predisposing syndrome. Last evaluated: 2014-03-20. Review status: criteria provided, single submitter. Criteria: Ambry Autosomal Dominant and X-Linked criteria (10/2015). Collection method: clinical testing. Allele origin: germline. Observed: 1 variant allele.
Comment: The p.M331R variant (also known as c.992T>G), located in coding exon 7 of the BRIP1 gene, results from a T to G substitution at nucleotide position 992. The methionine at codon 331 is replaced by arginine, an amino acid with similar properties. This variant was not reported in population based cohorts in the following databases: Database of Single Nucleotide Polymorphisms (dbSNP), NHLBI Exome Sequencing Project (ESP), and 1000 Genomes Project. To date, this alteration has been detected with an allele frequency of approximately 0.006% (greater than 15,000 alleles tested) in our clinical cohort (includes this individual). This amino acid position is not well conserved in available vertebrate species. In addition, this alteration is predicted to be benign and deleterious by PolyPhen and SIFT in silico analyses, respectively. Since supporting evidence is limited at this time, the clinical significance of p.M331R remains unclear.

NM_032043.3(BRIP1):c.992T>G (p.Met331Arg)

Gene: BRIP1 (BRCA1 interacting DNA helicase 1; minus strand). Cytogenetic location: 17q23.2.
Variant type: single nucleotide variant.
Coding change: c.992T>G on transcript NM_032043.3 (MANE Select); coding-DNA position 992, T replaced by G.
Protein change: p.Met331Arg; replaces methionine 331 with arginine.
Molecular consequence: missense variant.
Genome position (GRCh38, 1-based): chr17:61,801,401, A>C on the plus strand (T>G on the coding strand, the complement: BRIP1 is on the minus strand). VCF-style: chr17-61801401-A-C. GRCh37 (hg19) VCF-style: chr17-59878762-A-C.
Other names: short protein forms M331R.
Identifiers: ClinVar variation 142857 (VCV000142857.3), dbSNP rs587782771, ClinGen allele CA169594.